The following is an entry in ClinVar:

NM_001376.5(DYNC1H1):c.6925C>T (p.Pro2309Ser)

Gene: DYNC1H1 (dynein cytoplasmic 1 heavy chain 1; plus strand). Cytogenetic location: 14q32.31.
Variant type: single nucleotide variant.
Coding change: c.6925C>T on transcript NM_001376.5 (MANE Select); coding-DNA position 6925, C replaced by T.
Protein change: p.Pro2309Ser; replaces proline 2309 with serine.
Molecular consequence: missense variant.
Genome position (GRCh38, 1-based): chr14:102,012,381, C>T. VCF-style: chr14-102012381-C-T. GRCh37 (hg19) VCF-style: chr14-102478718-C-T.
Other names: short protein forms P2309S.
Identifiers: ClinVar variation 3343027 (VCV003343027.1).
Genomic context (GRCh38, chr14:102,012,381, plus strand): 5'-GACAGCGTGAGAGGCGAGCTGCAGAAGCGCCAGTGGATCGTCTTCGATGGCGATGTGGAT[C>T]CAGAGTGGGTTGAGAACTTGAACTCAGTGCTGGATGACAATAAGCTCCTAACTTTGCCCA-3'
Protein context (NP_001367.2, residues 2299-2319): QWIVFDGDVD[Pro2309Ser]EWVENLNSVL

ClinVar aggregate classification (germline): Uncertain significance (1 of 4 stars; one submission).

Submission:

GeneDx
Classification: Uncertain significance. Last evaluated: 2023-04-05. Review status: criteria provided, single submitter. Criteria: GeneDx Variant Classification Process June 2021. Collection method: clinical testing. Allele origin: germline. Affected: yes.
Comment: Not observed at significant frequency in large population cohorts (gnomAD); In silico analysis supports that this missense variant has a deleterious effect on protein structure/function; Has not been previously published as pathogenic or benign to our knowledge; This variant is associated with the following publications: (PMID: 26100331, 25609763, 25512093)